The following is an entry in ClinVar:

NM_170707.4(LMNA):c.1280G>T (p.Arg427Leu)

Gene: LMNA (lamin A/C; plus strand). Cytogenetic location: 1q22.
Variant type: single nucleotide variant.
Coding change: c.1280G>T on transcript NM_170707.4 (MANE Select); coding-DNA position 1280, G replaced by T.
Protein change: p.Arg427Leu; replaces arginine 427 with leucine.
Molecular consequence: missense variant.
Genome position (GRCh38, 1-based): chr1:156,136,336, G>T. VCF-style: chr1-156136336-G-T. GRCh37 (hg19) VCF-style: chr1-156106127-G-T.
Other names: c.944G>T, p.Arg315Leu (NM_001257374.3, NM_001406998.1, NM_001406989.1); c.1037G>T, p.Arg346Leu (NM_001282624.2, NM_001406986.1, NM_001406987.1); c.1280G>T, p.Arg427Leu (NM_001282625.2, NM_001282626.2, NM_001406983.1 and 6 more transcripts); c.722G>T, p.Arg241Leu (NM_001406995.1, NM_001406996.1, NM_001406997.1 and 4 more transcripts); c.656G>T, p.Arg219Leu (NM_001406999.1, NM_001407000.1, NM_001407001.1 and 1 more transcripts); c.983G>T, p.Arg328Leu (NM_001406988.1); short protein forms R219L, R241L, R315L, R328L, R346L, R427L.
Identifiers: ClinVar variation 4756244 (VCV004756244.1).

ClinVar aggregate classification (germline): Uncertain significance (1 of 4 stars; one submission).

Conditions:
Cardiomyopathy (CMYO). Also called: Cardiomyopathies. Identifiers: Orphanet 167848, MedGen C0878544, MONDO:0004994, HP:0001638. Inheritance: Various modes of inheritance.

gnomAD v4.1: 3 of 1,612,250 alleles (0.00019%); highest among the groups gnomAD compares: Admixed American, 0.0017%; no homozygotes.

Submission:

Color Diagnostics, LLC DBA Color Health
Classification: Uncertain significance for Cardiomyopathy. Last evaluated: 2025-09-05. Review status: criteria provided, single submitter. Criteria: ACMG Guidelines, 2015. Collection method: clinical testing. Allele origin: germline.
Comment: This missense variant replaces arginine with leucine at codon 427 of the LMNA protein. Computational prediction is inconclusive regarding the impact of this variant on protein structure and function. To our knowledge, functional studies have not been reported for this variant. This variant has not been reported in individuals affected with LMNA-related disorders in the literature. This variant has been identified in 1/250688 chromosomes in the general population by the Genome Aggregation Database (gnomAD). The available evidence is insufficient to determine the role of this variant in disease conclusively. Therefore, this variant is classified as a Variant of Uncertain Significance.